The following is an entry in ClinVar:

NM_172364.5(CACNA2D4):c.2167G>A (p.Val723Ile)

Gene: CACNA2D4 (calcium voltage-gated channel auxiliary subunit alpha2delta 4; minus strand). Cytogenetic location: 12p13.33.
Variant type: single nucleotide variant.
Coding change: c.2167G>A on transcript NM_172364.5 (MANE Select); coding-DNA position 2167, G replaced by A.
Protein change: p.Val723Ile; replaces valine 723 with isoleucine.
Molecular consequence: missense variant.
Genome position (GRCh38, 1-based): chr12:1,854,030, C>T on the plus strand (G>A on the coding strand, the complement: CACNA2D4 is on the minus strand). VCF-style: chr12-1854030-C-T. GRCh37 (hg19) VCF-style: chr12-1963196-C-T.
Other names: short protein forms V723I.
Identifiers: ClinVar variation 1046273 (VCV001046273.8), dbSNP rs1865346973, ClinGen allele CA383361200.

ClinVar aggregate classification (germline): Uncertain significance (1 of 4 stars; one submission).

Allele frequency attached by ClinVar (database versions not stated): gnomAD exomes below 0.00001.
gnomAD v4.1: 1 of 1,610,968 alleles (0.000062%); highest among the groups gnomAD compares: Non-Finnish European, 0.000085%; no homozygotes.

Submission:

Labcorp Genetics (formerly Invitae), Labcorp
Classification: Uncertain significance. Last evaluated: 2022-04-22. Review status: criteria provided, single submitter. Criteria: Invitae Variant Classification Sherloc (09022015). Collection method: clinical testing. Allele origin: germline.
Comment: This sequence change replaces valine, which is neutral and non-polar, with isoleucine, which is neutral and non-polar, at codon 723 of the CACNA2D4 protein (p.Val723Ile). This variant is not present in population databases (gnomAD no frequency). This variant has not been reported in the literature in individuals affected with CACNA2D4-related conditions. ClinVar contains an entry for this variant (Variation ID: 1046273). Algorithms developed to predict the effect of missense changes on protein structure and function output the following: SIFT: "Tolerated"; PolyPhen-2: "Benign"; Align-GVGD: "Class C0". The isoleucine amino acid residue is found in multiple mammalian species, which suggests that this missense change does not adversely affect protein function. In summary, the available evidence is currently insufficient to determine the role of this variant in disease. Therefore, it has been classified as a Variant of Uncertain Significance.